The following is an entry in ClinVar:

ClinVar aggregate classification (germline): Uncertain significance. Review status: criteria provided, single submitter (1 of 4 stars). 3 submissions from 2 submitters: Uncertain significance (1). 2 of the submissions do not count toward it. Last evaluated 2024-04-30.

Conditions:
Retinoblastoma (RB1). Also called: RETINOBLASTOMA, SOMATIC. Identifiers: Orphanet 790, MedGen C0035335, MeSH D012175, MONDO:0008380, OMIM 180200, HP:0009919. Disease mechanism: loss of function. Inheritance: Both sporadic and heritable forms are tested..

Submissions (3):

Labcorp Genetics (formerly Invitae), Labcorp
Classification: Uncertain significance for Retinoblastoma. Last evaluated: 2024-04-30. Review status: criteria provided, single submitter. Criteria: Invitae Variant Classification Sherloc (09022015). Collection method: clinical testing. Allele origin: germline.
Comment: This sequence change replaces leucine, which is neutral and non-polar, with arginine, which is basic and polar, at codon 665 of the RB1 protein (p.Leu665Arg). This variant is not present in population databases (gnomAD no frequency). This missense change has been observed in individual(s) with retinoblastoma (Invitae). ClinVar contains an entry for this variant (Variation ID: 100809). Advanced modeling of protein sequence and biophysical properties (such as structural, functional, and spatial information, amino acid conservation, physicochemical variation, residue mobility, and thermodynamic stability) performed at Invitae indicates that this missense variant is expected to disrupt RB1 protein function with a positive predictive value of 80%. This variant disrupts the p.Leu655 amino acid residue in RB1. Other variant(s) that disrupt this residue have been observed in individuals with RB1-related conditions (PMID: 15884040), which suggests that this may be a clinically significant amino acid residue. In summary, the available evidence is currently insufficient to determine the role of this variant in disease. Therefore, it has been classified as a Variant of Uncertain Significance.

Richard Lifton Laboratory, Yale University School of Medicine
Classification: Likely pathogenic. Review status: no assertion criteria provided. Collection method: not provided. Allele origin: somatic. Not counted in ClinVar's aggregate classification.
Comment: RB1:p.L665R
ClinVar note: Converted during submission from probable-pathogenic to Likely pathogenic.

Richard Lifton Laboratory, Yale University School of Medicine
Classification: Likely pathogenic. Review status: flagged submission. Collection method: not provided. Allele origin: somatic. Not counted in ClinVar's aggregate classification.
ClinVar note: Converted during submission from probable-pathogenic to Likely pathogenic.
ClinVar note: Reason: This record appears to be redundant with a more recent record from the same submitter.
ClinVar note: Notes: SCV000120029 appears to be redundant with SCV000155132.

Literature cited by the submitters: PubMed 15884040 (cited by Labcorp Genetics (formerly Invitae), Labcorp).

NM_000321.3(RB1):c.1994T>G (p.Leu665Arg)

Gene: RB1 (RB transcriptional corepressor 1; plus strand). Cytogenetic location: 13q14.2.
Variant type: single nucleotide variant.
Coding change: c.1994T>G on transcript NM_000321.3 (MANE Select); coding-DNA position 1994, T replaced by G.
Protein change: p.Leu665Arg; replaces leucine 665 with arginine.
Molecular consequence: missense variant.
Genome position (GRCh38, 1-based): chr13:48,459,721, T>G. VCF-style: chr13-48459721-T-G. GRCh37 (hg19) VCF-style: chr13-49033857-T-G.
Other names: short protein forms L665R.
Identifiers: ClinVar variation 100809 (VCV000100809.10), dbSNP rs483352689, ClinGen allele CA026418.